The following is an entry in ClinVar:

NM_001283009.2(RTEL1):c.803C>G (p.Thr268Ser)

Genes: RTEL1 (regulator of telomere elongation helicase 1; plus strand), RTEL1-TNFRSF6B (RTEL1-TNFRSF6B readthrough (NMD candidate); plus strand). Cytogenetic location: 20q13.33.
Variant type: single nucleotide variant.
Coding change: c.803C>G on transcript NM_001283009.2 (MANE Select); coding-DNA position 803, C replaced by G.
Protein change: p.Thr268Ser; replaces threonine 268 with serine.
Molecular consequence: missense variant. On other transcripts: non-coding transcript variant (1).
Genome position (GRCh38, 1-based): chr20:63,673,977, C>G. VCF-style: chr20-63673977-C-G. GRCh37 (hg19) VCF-style: chr20-62305330-C-G.
Other names: c.134C>G, p.Thr45Ser (NM_001283010.1); c.803C>G, p.Thr268Ser (NM_016434.4); c.875C>G, p.Thr292Ser (NM_032957.5); short protein forms T45S, T268S, T292S.
Identifiers: ClinVar variation 4827720 (VCV004827720.1).

ClinVar aggregate classification (germline): Uncertain significance (1 of 4 stars; one submission).

Conditions:
Inborn genetic diseases. Identifiers: MedGen C0950123, MeSH D030342.

Submission:

Ambry Genetics
Classification: Uncertain significance for Inborn genetic diseases. Last evaluated: 2026-03-13. Review status: criteria provided, single submitter. Criteria: Ambry Variant Classification Scheme 2023. Collection method: clinical testing. Allele origin: germline.
Comment: The p.T268S variant (also known as c.803C>G), located in coding exon 9 of the RTEL1 gene, results from a C to G substitution at nucleotide position 803. The threonine at codon 268 is replaced by serine, an amino acid with similar properties. This amino acid position is conserved. In addition, this alteration is predicted to be tolerated by in silico analysis. Based on the available evidence, the clinical significance of this variant remains unclear.